The following is an entry in ClinVar:

ClinVar aggregate classification (germline): Likely benign. Review status: criteria provided, multiple submitters, no conflicts (2 of 4 stars). 3 submissions from 3 submitters: Likely benign (2). 1 of the submissions does not count toward it. Last evaluated 2025-10-21.

Conditions:
KIF7-related disorder. Also called: KIF7-related condition.
Acrocallosal syndrome (ACLS). Also called: HALLUX DUPLICATION, POSTAXIAL POLYDACTYLY, AND ABSENCE OF CORPUS CALLOSUM; Schinzel syndrome 1; Absence of corpus callosum with unusual facial appearance, mental deficiency, duplication of the halluces and polydactyly. Identifiers: Orphanet 36, MedGen C0796147, MONDO:0008708, OMIM 200990.

Submissions (3):

Labcorp Genetics (formerly Invitae), Labcorp
Classification: Likely benign for Acrocallosal syndrome. Last evaluated: 2025-10-21. Review status: criteria provided, single submitter. Criteria: Invitae Variant Classification Sherloc (09022015). Collection method: clinical testing. Allele origin: germline.

CeGaT Center for Human Genetics Tuebingen
Classification: Likely benign. Last evaluated: 2025-09-01. Review status: criteria provided, single submitter. Criteria: CeGaT Center For Human Genetics Tuebingen Variant Classification Criteria Version 2. Collection method: clinical testing. Allele origin: germline. Affected: yes. Observed: 1 variant allele.
Comment: KIF7: BP4, BP7

PreventionGenetics, part of Exact Sciences
Classification: Likely benign for KIF7-related condition. Last evaluated: 2024-07-05. Review status: no assertion criteria provided. Collection method: clinical testing. Allele origin: germline. Not counted in ClinVar's aggregate classification.
Comment: This variant is classified as likely benign based on ACMG/AMP sequence variant interpretation guidelines (Richards et al. 2015 PMID: 25741868, with internal and published modifications).

NM_198525.3(KIF7):c.3870C>T (p.Pro1290=)

Gene: KIF7 (kinesin family member 7; minus strand). Cytogenetic location: 15q26.1.
Variant type: single nucleotide variant.
Coding change: c.3870C>T on transcript NM_198525.3 (MANE Select); coding-DNA position 3870, C replaced by T.
Protein change: p.Pro1290=; no amino-acid change (proline 1290 retained).
Molecular consequence: synonymous variant.
Genome position (GRCh38, 1-based): chr15:89,628,581, G>A on the plus strand (C>T on the coding strand, the complement: KIF7 is on the minus strand). VCF-style: chr15-89628581-G-A. GRCh37 (hg19) VCF-style: chr15-90171812-G-A.
Other names: c.3870C>T (NM_198525.2).
Identifiers: ClinVar variation 1553354 (VCV001553354.16), dbSNP rs761421026, ClinGen allele CA7727498.